The following is an entry in ClinVar:

NM_020312.4(COQ9):c.38C>T (p.Ala13Val)

Genes: COQ9 (coenzyme Q9; plus strand), LOC112469007 (Sharpr-MPRA regulatory region 5957; plus strand). Cytogenetic location: 16q21.
Variant type: single nucleotide variant.
Coding change: c.38C>T on transcript NM_020312.4 (MANE Select); coding-DNA position 38, C replaced by T.
Protein change: p.Ala13Val; replaces alanine 13 with valine.
Molecular consequence: missense variant.
Genome position (GRCh38, 1-based): chr16:57,447,543, C>T. VCF-style: chr16-57447543-C-T. GRCh37 (hg19) VCF-style: chr16-57481455-C-T.
Other names: short protein forms A13V.
Identifiers: ClinVar variation 1366162 (VCV001366162.6), dbSNP rs764426902, ClinGen allele CA396026406.

ClinVar aggregate classification (germline): Uncertain significance (1 of 4 stars; one submission).

gnomAD v4.1: 1 of 1,307,232 alleles (0.000076%); no homozygotes.

Submission:

Labcorp Genetics (formerly Invitae), Labcorp
Classification: Uncertain significance. Last evaluated: 2023-05-10. Review status: criteria provided, single submitter. Criteria: Invitae Variant Classification Sherloc (09022015). Collection method: clinical testing. Allele origin: germline.
Comment: Algorithms developed to predict the effect of missense changes on protein structure and function output the following: SIFT: "Not Available"; PolyPhen-2: "Not Available"; Align-GVGD: "Not Available". The valine amino acid residue is found in multiple mammalian species, which suggests that this missense change does not adversely affect protein function. ClinVar contains an entry for this variant (Variation ID: 1366162). This variant has not been reported in the literature in individuals affected with COQ9-related conditions. This variant is not present in population databases (gnomAD no frequency). This sequence change replaces alanine, which is neutral and non-polar, with valine, which is neutral and non-polar, at codon 13 of the COQ9 protein (p.Ala13Val). In summary, the available evidence is currently insufficient to determine the role of this variant in disease. Therefore, it has been classified as a Variant of Uncertain Significance.